The following is an entry in ClinVar:

NM_000036.3(AMPD1):c.1529A>G (p.Asp510Gly)

Gene: AMPD1 (adenosine monophosphate deaminase 1; minus strand). Cytogenetic location: 1p13.2.
Variant type: single nucleotide variant.
Coding change: c.1529A>G on transcript NM_000036.3 (MANE Select); coding-DNA position 1529, A replaced by G.
Protein change: p.Asp510Gly; replaces aspartic acid 510 with glycine.
Molecular consequence: missense variant.
Genome position (GRCh38, 1-based): chr1:114,675,680, T>C on the plus strand (A>G on the coding strand, the complement: AMPD1 is on the minus strand). VCF-style: chr1-114675680-T-C. GRCh37 (hg19) VCF-style: chr1-115218301-T-C.
Other names: c.1517A>G, p.Asp506Gly (NM_001172626.2); short protein forms D506G, D510G.
Identifiers: ClinVar variation 2746107 (VCV002746107.3), dbSNP rs1302088525, ClinGen allele CA341747170.

ClinVar aggregate classification (germline): Uncertain significance (1 of 4 stars; one submission).

Conditions:
Muscle AMP deaminase deficiency (MMDD). Also called: Myoadenylate deaminase deficiency, myopathy due to; Adenosine monophosphate deaminase 1 deficiency; AMP deaminase 1 deficiency; Adenosine Monophosphate Deaminase 1; ADENOSINE MONOPHOSPHATE DEAMINASE-1 DEFICIENCY, MYOPATHY DUE TO; AMPD1 DEFICIENCY. Identifiers: Orphanet 45, MedGen C3714933, MONDO:0014220, OMIM 615511.

Allele frequency attached by ClinVar (database versions not stated): gnomAD exomes below 0.00001; TOPMed 0.00001; gnomAD 0.00003.
gnomAD v4.1: 9 of 1,614,040 alleles (0.00056%); highest among the groups gnomAD compares: Non-Finnish European, 0.00076%; no homozygotes.

Submission:

Labcorp Genetics (formerly Invitae), Labcorp
Classification: Uncertain significance for Muscle AMP deaminase deficiency. Last evaluated: 2022-11-03. Review status: criteria provided, single submitter. Criteria: Invitae Variant Classification Sherloc (09022015). Collection method: clinical testing. Allele origin: germline.
Comment: In summary, the available evidence is currently insufficient to determine the role of this variant in disease. Therefore, it has been classified as a Variant of Uncertain Significance. Advanced modeling of protein sequence and biophysical properties (such as structural, functional, and spatial information, amino acid conservation, physicochemical variation, residue mobility, and thermodynamic stability) performed at Invitae indicates that this missense variant is expected to disrupt AMPD1 protein function. This variant has not been reported in the literature in individuals affected with AMPD1-related conditions. The frequency data for this variant in the population databases is considered unreliable, as metrics indicate poor data quality at this position in the gnomAD database. This sequence change replaces aspartic acid, which is acidic and polar, with glycine, which is neutral and non-polar, at codon 543 of the AMPD1 protein (p.Asp543Gly).